The following is an entry in ClinVar:

ClinVar aggregate classification (germline): Uncertain significance (1 of 4 stars; one submission).

Submission:

Women's Health and Genetics/Laboratory Corporation of America, LabCorp
Classification: Uncertain significance. Last evaluated: 2026-06-25. Review status: criteria provided, single submitter. Criteria: LabCorp Variant Classification Summary - May 2015. Collection method: clinical testing. Allele origin: germline.
Comment: Variant summary: TWNK c.1283A>T (p.Tyr428Phe) results in a conservative amino acid change in the encoded protein sequence. Algorithms developed to predict the effect of missense changes on protein structure and function are either unavailable or do not agree on the potential impact of this missense change. The variant was absent in 251490 control chromosomes. The available data on variant occurrences in the general population are insufficient to allow any conclusion about variant significance. To our knowledge, no occurrence of c.1283A>T in individuals affected with TWNK-related conditions and no experimental evidence demonstrating its impact on protein function have been reported. No submitters have cited clinical-significance assessments for this variant to ClinVar. Based on the evidence outlined above, the variant was classified as uncertain significance.

NM_021830.5(TWNK):c.1283A>T (p.Tyr428Phe)

Gene: TWNK (twinkle mtDNA helicase; plus strand). Cytogenetic location: 10q24.31.
Variant type: single nucleotide variant.
Coding change: c.1283A>T on transcript NM_021830.5 (MANE Select); coding-DNA position 1283, A replaced by T.
Protein change: p.Tyr428Phe; replaces tyrosine 428 with phenylalanine.
Molecular consequence: missense variant. On other transcripts: 5 prime UTR variant (2), non-coding transcript variant (2), intron variant (1).
Genome position (GRCh38, 1-based): chr10:100,989,683, A>T. VCF-style: chr10-100989683-A-T. GRCh37 (hg19) VCF-style: chr10-102749440-A-T.
Other names: c.1283A>T, p.Tyr428Phe (NM_001163812.2); c.-80A>T (NM_001163813.2, NM_001163814.2); c.-57-23A>T (NM_001368275.1); short protein forms Y428F.
Identifiers: ClinVar variation 4887682 (VCV004887682.1).
Genomic context (GRCh38, chr10:100,989,683, plus strand): 5'-GTCTGTTCCACCCCACTGCAGGGCCAACAGGCAGTGGAAAGACGACATTCATCAGTGAGT[A>T]TGCCCTGGATTTGTGTTCCCAGGGGGTGAACACACTGTGGGGTAGCTTCGAGATCAGCAA-3'
Protein context (NP_068602.2, residues 418-438): GSGKTTFISE[Tyr428Phe]ALDLCSQGVN